The following is an entry in ClinVar:

NM_001999.4(FBN2):c.3148A>C (p.Thr1050Pro)

Genes: FBN2 (fibrillin 2; minus strand), LOC126807501 (BRD4-independent group 4 enhancer GRCh37_chr5:127680731-127681930; plus strand). Cytogenetic location: 5q23.3.
Variant type: single nucleotide variant.
Coding change: c.3148A>C on transcript NM_001999.4 (MANE Select); coding-DNA position 3148, A replaced by C.
Protein change: p.Thr1050Pro; replaces threonine 1050 with proline.
Molecular consequence: missense variant.
Genome position (GRCh38, 1-based): chr5:128,345,426, T>G on the plus strand (A>C on the coding strand, the complement: FBN2 is on the minus strand). VCF-style: chr5-128345426-T-G. GRCh37 (hg19) VCF-style: chr5-127681118-T-G.
Other names: c.3148A>C (NM_001999.3); short protein forms T1050P.
Identifiers: ClinVar variation 2714889 (VCV002714889.4), dbSNP rs369497144, ClinGen allele CA3395317.

ClinVar aggregate classification (germline): Conflicting classifications of pathogenicity. Review status: criteria provided, conflicting classifications (1 of 4 stars). 2 submissions from 2 submitters: Uncertain significance (1); Benign (1). Last evaluated 2026-03-21.

Conditions:
Congenital contractural arachnodactyly (CCA). Also called: Arthrogryposis, distal, type 9; BEALS SYNDROME; Beals-Hecht syndrome. Identifiers: Orphanet 115, MedGen C0220668, MONDO:0007363, OMIM 121050.
Familial thoracic aortic aneurysm and aortic dissection (TAAD). Also called: Thoracic aortic aneurysms and dissections. Identifiers: Orphanet 91387, MedGen C4707243, MONDO:0019625.

Allele frequency attached by ClinVar (database versions not stated): ExAC 0.00005; ESP Exome Variant Server 0.00008; 1000 Genomes Project 30x 0.00047; gnomAD exomes below 0.00001; TOPMed 0.00007; gnomAD 0.00009; 1000 Genomes Project 0.00040.
gnomAD v4.1: 17 of 1,613,958 alleles (0.0011%); highest among the groups gnomAD compares: African/African-American, 0.023%; no homozygotes.

Submissions (2):

Ambry Genetics
Classification: Uncertain significance for Familial thoracic aortic aneurysm and aortic dissection. Last evaluated: 2026-03-21. Review status: criteria provided, single submitter. Criteria: Ambry Variant Classification Scheme 2023. Collection method: clinical testing. Allele origin: germline.
Comment: The p.T1050P variant (also known as c.3148A>C), located in coding exon 24 of the FBN2 gene, results from an A to C substitution at nucleotide position 3148. The threonine at codon 1050 is replaced by proline, an amino acid with highly similar properties. This amino acid position is conserved. In addition, the in silico prediction for this alteration is inconclusive. Based on the available evidence, the clinical significance of this variant remains unclear.

Labcorp Genetics (formerly Invitae), Labcorp
Classification: Benign for Congenital contractural arachnodactyly. Last evaluated: 2024-04-22. Review status: criteria provided, single submitter. Criteria: Invitae Variant Classification Sherloc (09022015). Collection method: clinical testing. Allele origin: germline.